The following is an entry in ClinVar:

ClinVar aggregate classification (germline): Pathogenic (1 of 4 stars; one submission).

Conditions:
Hydrocephalus, nonsyndromic, autosomal recessive 1 (HYC1). Also called: Hydrocephalus, nonsyndromic, autosomal recessive; Congenital hydrocephalus 1. Identifiers: Orphanet 2185, MedGen C3887608, MONDO:0009360, OMIM 236600.

Submission:

Myriad Genetics, Inc.
Classification: Pathogenic for Hydrocephalus, nonsyndromic, autosomal recessive 1. Last evaluated: 2025-11-13. Review status: criteria provided, single submitter. Criteria: Myriad Autosomal Dominant, Autosomal Recessive and X-Linked Classification Criteria (2023). Collection method: clinical testing. Allele origin: unknown.
Comment: NM_001080414.3(CCDC88C):c.4746delC(N1582Kfs*7) is expected to be pathogenic in the context of congenital hydrocephalus, CCDC88C-related. This variant is predicted to lead to an abnormal or absent protein product due to the creation of a premature termination codon in CCDC88C, a gene where loss-of-function variants are known to be pathogenic. Please note: this variant was assessed in the context of healthy population screening.

NM_001080414.4(CCDC88C):c.4746del (p.Asn1582fs)

Gene: CCDC88C (coiled-coil and HOOK domain protein 88C; minus strand). Cytogenetic location: 14q32.11.
Variant type: Deletion.
Coding change: c.4746del on transcript NM_001080414.4 (MANE Select); coding-DNA position 4746, one base deleted (C; older notation c.4746delC).
Protein change: p.Asn1582fs; shifts the reading frame from asparagine 1582.
Molecular consequence: frameshift variant. On other transcripts: non-coding transcript variant (2).
Genome position (GRCh38, 1-based): chr14:91,279,260, G deleted on the plus strand (C on the coding strand, the reverse complement: CCDC88C is on the minus strand). VCF-style (leftmost placement, unchanged base first): chr14-91279259-TG-T. GRCh37 (hg19) VCF-style: chr14-91745603-TG-T.
Other names: short protein forms N1582fs.
Identifiers: ClinVar variation 5015206 (VCV005015206.1).
Genomic context (GRCh38, chr14:91,279,259, plus strand): 5'-AAATCAATTTTTAAAAGTACACAGAAGCACAAGACTTACCTTTTAGGTTAAGAGGTGAGC[TG>T]TTGCTGGATGTGTTTCTACTGCTCTCTAAGCTACTTGGCCGCGACACTGAAAGGAAATGG-3'